The following is an entry in ClinVar:

ClinVar aggregate classification (germline): Pathogenic (1 of 4 stars; one submission).

Conditions:
Multiple congenital exostosis (EXT). Also called: Hereditary multiple osteochondromas; MULTIPLE CARTILAGINOUS EXOSTOSES; Multiple exostoses; Hereditary multiple exostoses; Hereditary multiple exostosis; Multiple osteochondromas. Identifiers: Orphanet 321, MedGen C0015306, MONDO:0005508, HP:0002762.

Submission:

Labcorp Genetics (formerly Invitae), Labcorp
Classification: Pathogenic for Multiple congenital exostosis. Last evaluated: 2021-03-27. Review status: criteria provided, single submitter. Criteria: Invitae Variant Classification Sherloc (09022015). Collection method: clinical testing. Allele origin: germline.
Comment: For these reasons, this variant has been classified as Pathogenic. This variant has not been reported in the literature in individuals with EXT1-related conditions. This variant is not present in population databases (ExAC no frequency). This sequence change creates a premature translational stop signal (p.Met359Aspfs*12) in the EXT1 gene. It is expected to result in an absent or disrupted protein product. Loss-of-function variants in EXT1 are known to be pathogenic (PMID: 10679937, 11391482, 19810120).

Literature cited by the submitters: PubMed 10679937; PubMed 11391482; PubMed 19810120.

NM_000127.3(EXT1):c.1073dup (p.Met359fs)

Gene: EXT1 (exostosin glycosyltransferase 1; minus strand). Cytogenetic location: 8q24.11.
Variant type: Duplication.
Coding change: c.1073dup on transcript NM_000127.3 (MANE Select); coding-DNA position 1073, one base duplicated (T; older notation c.1073dupT).
Protein change: p.Met359fs; shifts the reading frame from methionine 359.
Molecular consequence: frameshift variant.
Genome position (GRCh38, 1-based): chr8:117,835,535, A duplicated on the plus strand (T on the coding strand, the reverse complement: EXT1 is on the minus strand). VCF-style (leftmost placement, unchanged base first): chr8-117835534-C-CA. GRCh37 (hg19) VCF-style: chr8-118847773-C-CA.
Other names: short protein forms M359fs.
Identifiers: ClinVar variation 1409072 (VCV001409072.6), dbSNP rs2129786583, ClinGen allele CA2573142839.
Genomic context (GRCh38, chr8:117,835,534, plus strand): 5'-GGCAGCTTGGTTCCAATTAATCACTTCAGAGAATGGCAACTCCCATCCATTGCTGAGCAT[C>CA]ACAGGGACGCAGGCAGCCTGAGCAAAAAAGGGGACTTCGTGAATGTGAGGAAAGCGACAG-3'